The following is an entry in ClinVar:

NM_005257.6(GATA6):c.256C>T (p.His86Tyr)

Gene: GATA6 (GATA binding protein 6; plus strand). Cytogenetic location: 18q11.2.
Variant type: single nucleotide variant.
Coding change: c.256C>T on transcript NM_005257.6 (MANE Select); coding-DNA position 256, C replaced by T.
Protein change: p.His86Tyr; replaces histidine 86 with tyrosine.
Molecular consequence: missense variant.
Genome position (GRCh38, 1-based): chr18:22,171,400, C>T. VCF-style: chr18-22171400-C-T. GRCh37 (hg19) VCF-style: chr18-19751361-C-T.
Other names: short protein forms H86Y.
Identifiers: ClinVar variation 4752892 (VCV004752892.1).

ClinVar aggregate classification (germline): Uncertain significance (1 of 4 stars; one submission).

Conditions:
Atrioventricular septal defect 5 (AVSD5). Identifiers: MedGen C3280939, MONDO:0013769, OMIM 614474.

Submission:

Labcorp Genetics (formerly Invitae), Labcorp
Classification: Uncertain significance for Atrioventricular septal defect 5. Last evaluated: 2025-10-01. Review status: criteria provided, single submitter. Criteria: Invitae Variant Classification Sherloc (09022015). Collection method: clinical testing. Allele origin: germline.
Comment: This sequence change replaces histidine, which is basic and polar, with tyrosine, which is neutral and polar, at codon 86 of the GATA6 protein (p.His86Tyr). This variant is not present in population databases (gnomAD no frequency). This variant has not been reported in the literature in individuals affected with GATA6-related conditions. An algorithm developed to predict the effect of missense changes on protein structure and function (PolyPhen-2) suggests that this variant is likely to be tolerated. In summary, the available evidence is currently insufficient to determine the role of this variant in disease. Therefore, it has been classified as a Variant of Uncertain Significance.